The following is an entry in ClinVar:

ClinVar aggregate classification (germline): Benign (1 of 4 stars; one submission).

Allele frequency attached by ClinVar (database versions not stated): gnomAD exomes 0.00040; ExAC 0.00122; 1000 Genomes Project 0.00200; 1000 Genomes Project 30x 0.00203; ESP Exome Variant Server 0.00331; gnomAD 0.00394; TOPMed 0.00450.
gnomAD v4.1: 1,274 of 1,613,940 alleles (0.079%); highest among the groups gnomAD compares: African/African-American, 1.4%; 22 homozygotes.

Submission:

CeGaT Center for Human Genetics Tuebingen
Classification: Benign. Last evaluated: 2023-09-01. Review status: criteria provided, single submitter. Criteria: CeGaT Center For Human Genetics Tuebingen Variant Classification Criteria Version 2. Collection method: clinical testing. Allele origin: germline. Affected: yes. Observed: 1 variant allele.
Comment: SERPINA11: BP4, BS1, BS2

NM_001080451.2(SERPINA11):c.881A>G (p.Gln294Arg)

Gene: SERPINA11 (serpin family A member 11; minus strand). Cytogenetic location: 14q32.13.
Variant type: single nucleotide variant.
Coding change: c.881A>G on transcript NM_001080451.2 (MANE Select); coding-DNA position 881, A replaced by G.
Protein change: p.Gln294Arg; replaces glutamine 294 with arginine.
Molecular consequence: missense variant.
Genome position (GRCh38, 1-based): chr14:94,446,367, T>C on the plus strand (A>G on the coding strand, the complement: SERPINA11 is on the minus strand). VCF-style: chr14-94446367-T-C. GRCh37 (hg19) VCF-style: chr14-94912704-T-C.
Other names: short protein forms Q294R.
Identifiers: ClinVar variation 2582926 (VCV002582926.25), dbSNP rs115771804, ClinGen allele CA7327743.